The following is an entry in ClinVar:

ClinVar aggregate classification (germline): Uncertain significance. Review status: criteria provided, multiple submitters, no conflicts (2 of 4 stars). 2 submissions from 2 submitters: Uncertain significance (2). Last evaluated 2022-02-10.

Conditions:
Dyskeratosis congenita. Identifiers: Orphanet 1775, MedGen C0265965, MONDO:0015780.

Allele frequency attached by ClinVar (database versions not stated): gnomAD exomes 0.00001; ExAC 0.00002.
gnomAD v4.1: 8 of 1,529,770 alleles (0.00052%); highest among the groups gnomAD compares: South Asian, 0.0039%; no homozygotes.

Submissions (2):

Labcorp Genetics (formerly Invitae), Labcorp
Classification: Uncertain significance for Dyskeratosis congenita. Last evaluated: 2022-02-10. Review status: criteria provided, single submitter. Criteria: Invitae Variant Classification Sherloc (09022015). Collection method: clinical testing. Allele origin: germline.
Comment: This sequence change replaces glycine, which is neutral and non-polar, with serine, which is neutral and polar, at codon 721 of the CTC1 protein (p.Gly721Ser). The frequency data for this variant in the population databases is considered unreliable, as metrics indicate poor data quality at this position in the gnomAD database. This variant has not been reported in the literature in individuals affected with CTC1-related conditions. ClinVar contains an entry for this variant (Variation ID: 808226). Algorithms developed to predict the effect of missense changes on protein structure and function output the following: SIFT: "Tolerated"; PolyPhen-2: "Benign"; Align-GVGD: "Class C0". The serine amino acid residue is found in multiple mammalian species, which suggests that this missense change does not adversely affect protein function. In summary, the available evidence is currently insufficient to determine the role of this variant in disease. Therefore, it has been classified as a Variant of Uncertain Significance.

CeGaT Center for Human Genetics Tuebingen
Classification: Uncertain significance. Last evaluated: 2019-05-01. Review status: criteria provided, single submitter. Criteria: CeGaT Center For Human Genetics Tuebingen Variant Classification Criteria Version 2. Collection method: clinical testing. Allele origin: germline. Affected: yes. Observed: 1 variant allele.

NM_025099.6(CTC1):c.2161G>A (p.Gly721Ser)

Gene: CTC1 (CST telomere replication complex component 1; minus strand). Cytogenetic location: 17p13.1.
Variant type: single nucleotide variant.
Coding change: c.2161G>A on transcript NM_025099.6 (MANE Select); coding-DNA position 2161, G replaced by A.
Protein change: p.Gly721Ser; replaces glycine 721 with serine.
Molecular consequence: missense variant. On other transcripts: non-coding transcript variant (1).
Genome position (GRCh38, 1-based): chr17:8,232,127, C>T on the plus strand (G>A on the coding strand, the complement: CTC1 is on the minus strand). VCF-style: chr17-8232127-C-T. GRCh37 (hg19) VCF-style: chr17-8135445-C-T.
Other names: short protein forms G721S.
Identifiers: ClinVar variation 808226 (VCV000808226.45), dbSNP rs771821232, ClinGen allele CA8372149.
Genomic context (GRCh38, chr17:8,232,127, plus strand): 5'-GGGCCTCCTTGTGGCAGAGCAAGAAGAGCCGGCTCTGTCCTAGGTGGGGTCCCTCTGGGC[C>T]GGTGGGATCTGTCTGAGGTGTTGAGGGTGTTGCTGAATGAAGGCAGGGTCTGGGCACAGG-3'
Protein context (NP_079375.3, residues 711-731): TPSTPQTDPT[Gly721Ser]PEGPHLGQSR